The following is an entry in ClinVar:

ClinVar aggregate classification (germline): Uncertain significance (1 of 4 stars; one submission).

Allele frequency attached by ClinVar (database versions not stated): gnomAD 0.00001.
gnomAD v4.1: 4 of 1,611,568 alleles (0.00025%); highest among the groups gnomAD compares: South Asian, 0.0044%; no homozygotes.

Submission:

Labcorp Genetics (formerly Invitae), Labcorp
Classification: Uncertain significance. Last evaluated: 2022-08-21. Review status: criteria provided, single submitter. Criteria: Invitae Variant Classification Sherloc (09022015). Collection method: clinical testing. Allele origin: germline.
Comment: This sequence change replaces methionine, which is neutral and non-polar, with isoleucine, which is neutral and non-polar, at codon 205 of the IARS2 protein (p.Met205Ile). This variant is not present in population databases (gnomAD no frequency). This variant has not been reported in the literature in individuals affected with IARS2-related conditions. Algorithms developed to predict the effect of missense changes on protein structure and function are either unavailable or do not agree on the potential impact of this missense change (SIFT: "Tolerated"; PolyPhen-2: "Probably Damaging"; Align-GVGD: "Class C0"). In summary, the available evidence is currently insufficient to determine the role of this variant in disease. Therefore, it has been classified as a Variant of Uncertain Significance.

NM_018060.4(IARS2):c.615G>T (p.Met205Ile)

Gene: IARS2 (isoleucyl-tRNA synthetase 2, mitochondrial; plus strand). Cytogenetic location: 1q41.
Variant type: single nucleotide variant.
Coding change: c.615G>T on transcript NM_018060.4 (MANE Select); coding-DNA position 615, G replaced by T.
Protein change: p.Met205Ile; replaces methionine 205 with isoleucine.
Molecular consequence: missense variant.
Genome position (GRCh38, 1-based): chr1:220,102,193, G>T. VCF-style: chr1-220102193-G-T. GRCh37 (hg19) VCF-style: chr1-220275535-G-T.
Other names: short protein forms M205I.
Identifiers: ClinVar variation 1952256 (VCV001952256.5), dbSNP rs1656592046, ClinGen allele CA344625266.